The following is an entry in ClinVar:

NM_001267550.2(TTN):c.8902+13_8902+14delinsGA

Gene: TTN (titin; minus strand). Cytogenetic location: 2q31.2.
Variant type: Indel.
Coding change: c.8902+13_8902+14delinsGA on transcript NM_001267550.2 (MANE Select); bases 13 to 14 of the intron after coding-DNA position 8902, AT replaced by GA.
Molecular consequence: intron variant.
Genome position (GRCh38, 1-based): chr2:178,769,665-178,769,666, AT replaced by TC on the plus strand (AT replaced by GA on the coding strand, the reverse complement: TTN is on the minus strand). VCF-style: chr2-178769665-AT-TC. GRCh37 (hg19) VCF-style: chr2-179634392-AT-TC.
Other names: c.8764+13_8764+14delinsGA (NM_003319.4, NM_133437.4, NM_133432.3); c.8902+13_8902+14delinsGA (NM_001256850.1, NM_133379.5, NM_133378.4).
Identifiers: ClinVar variation 517402 (VCV000517402.5), dbSNP rs1553993564, ClinGen allele CA658796064.

ClinVar aggregate classification (germline): Likely benign (1 of 4 stars; one submission).

Submission:

Laboratory for Molecular Medicine, Mass General Brigham Personalized Medicine
Classification: Likely benign. Last evaluated: 2017-05-19. Review status: criteria provided, single submitter. Criteria: LMM Criteria. Collection method: clinical testing. Allele origin: germline. Observed: 1 variant allele.
Comment: c.8902+13_8902+14delinsGA in intron 37 of TTN: This variant is not expected to h ave clinical significance because it is not located within the splice consensus sequence.